The following is an entry in ClinVar:

NM_001142800.2(EYS):c.8629_8633del (p.Thr2877fs)

Genes: EYS (EGF-like photoreceptor maintenance factor; minus strand), PHF3 (PHD finger protein 3; plus strand). Cytogenetic location: 6q12.
Variant type: Deletion.
Coding change: c.8629_8633del on transcript NM_001142800.2 (MANE Select); coding-DNA positions 8629 to 8633, 5 bases deleted (ACAGC; older notation c.8629_8633delACAGC).
Protein change: p.Thr2877fs; shifts the reading frame from threonine 2877.
Molecular consequence: frameshift variant. On other transcripts: 3 prime UTR variant (5).
Genome position (GRCh38, 1-based): chr6:63,721,398-63,721,402, GCTGT deleted on the plus strand (ACAGC on the coding strand, the reverse complement: EYS is on the minus strand). VCF-style (leftmost placement, unchanged base first): chr6-63721397-GGCTGT-G. GRCh37 (hg19) VCF-style: chr6-64431293-GGCTGT-G.
Other names: c.*7690_*7694del (NM_001290259.2, NM_001370348.2, NM_001370349.2 and 2 more transcripts); c.8692_8696del, p.Thr2898fs (NM_001292009.2); short protein forms T2877fs, T2898fs.
Identifiers: ClinVar variation 2841747 (VCV002841747.3), dbSNP rs2533390859, ClinGen allele CA2739273153.

ClinVar aggregate classification (germline): Pathogenic (1 of 4 stars; one submission).

Submission:

Labcorp Genetics (formerly Invitae), Labcorp
Classification: Pathogenic. Last evaluated: 2023-03-01. Review status: criteria provided, single submitter. Criteria: Invitae Variant Classification Sherloc (09022015). Collection method: clinical testing. Allele origin: germline.
Comment: This sequence change creates a premature translational stop signal (p.Thr2877Leufs*11) in the EYS gene. While this is not anticipated to result in nonsense mediated decay, it is expected to disrupt the last 268 amino acid(s) of the EYS protein. For these reasons, this variant has been classified as Pathogenic. This variant disrupts a region of the EYS protein in which other variant(s) (p.Tyr3135*) have been determined to be pathogenic (PMID: 18976725, 29159838, 30337596, 31074760). This suggests that this is a clinically significant region of the protein, and that variants that disrupt it are likely to be disease-causing. This variant has not been reported in the literature in individuals affected with EYS-related conditions. This variant is not present in population databases (gnomAD no frequency).

Literature cited by the submitters: PubMed 18976725; PubMed 29159838; PubMed 30337596; PubMed 31074760.